The following is an entry in ClinVar:

NM_014844.5(TECPR2):c.3324C>G (p.Tyr1108Ter)

Gene: TECPR2 (tectonin beta-propeller repeat containing 2; plus strand). Cytogenetic location: 14q32.31.
Variant type: single nucleotide variant.
Coding change: c.3324C>G on transcript NM_014844.5 (MANE Select); coding-DNA position 3324, C replaced by G.
Protein change: p.Tyr1108Ter; replaces tyrosine 1108 with a stop codon.
Molecular consequence: nonsense.
Genome position (GRCh38, 1-based): chr14:102,450,567, C>G. VCF-style: chr14-102450567-C-G. GRCh37 (hg19) VCF-style: chr14-102916904-C-G.
Other names: c.3324C>G, p.Tyr1108Ter (NM_001172631.3); short protein forms Y1108*.
Identifiers: ClinVar variation 5003530 (VCV005003530.1).

ClinVar aggregate classification (germline): Pathogenic (1 of 4 stars; one submission).

Conditions:
Hereditary spastic paraplegia 49 (HSAN9). Also called: TECPR2-Related Hereditary Sensory and Autonomic Neuropathy with Intellectual Disability; NEUROPATHY, HEREDITARY SENSORY AND AUTONOMIC, TYPE IX, WITH DEVELOPMENTAL DELAY; Spastic paraplegia 49, autosomal recessive. Identifiers: Orphanet 320385, MedGen C5190860, MONDO:0014016, OMIM 615031.

gnomAD v4.1: 3 of 1,614,188 alleles (0.00019%); highest among the groups gnomAD compares: Non-Finnish European, 0.00025%; no homozygotes.

Submission:

Myriad Genetics, Inc.
Classification: Pathogenic for Hereditary spastic paraplegia 49. Last evaluated: 2026-04-20. Review status: criteria provided, single submitter. Criteria: Myriad Autosomal Dominant, Autosomal Recessive and X-Linked Classification Criteria (2023). Collection method: clinical testing. Allele origin: unknown.
Comment: NM_014844.3(TECPR2):c.3324C>G(Y1108*) is a nonsense variant classified as pathogenic in the context of spastic paraplegia, TECPR2-related. Y1108* has not been observed in cases with relevant disease. Relevant functional assessments of this variant are not available in the literature. Y1108* has not been observed in referenced population frequency databases. In summary, NM_014844.3(TECPR2):c.3324C>G(Y1108*) is a nonsense variant in a gene where loss of function is a known mechanism of disease and is predicted to disrupt protein function. Please note: this variant was assessed in the context of healthy population screening.